The following is an entry in ClinVar:

ClinVar aggregate classification (germline): Uncertain significance (1 of 4 stars; one submission).

Conditions:
Developmental and epileptic encephalopathy, 33 (DEE33). Also called: Epileptic encephalopathy, early infantile, 33. Identifiers: Orphanet 442835, MedGen C4225337, MONDO:0014625, OMIM 616409.

Allele frequency attached by ClinVar (database versions not stated): gnomAD exomes below 0.00001; TOPMed below 0.00001; gnomAD 0.00001.
gnomAD v4.1: 3 of 1,475,858 alleles (0.0002%); highest among the groups gnomAD compares: East Asian, 0.003%; no homozygotes.

Submission:

Labcorp Genetics (formerly Invitae), Labcorp
Classification: Uncertain significance for Developmental and epileptic encephalopathy, 33. Last evaluated: 2023-03-26. Review status: criteria provided, single submitter. Criteria: Invitae Variant Classification Sherloc (09022015). Collection method: clinical testing. Allele origin: germline.
Comment: In summary, the available evidence is currently insufficient to determine the role of this variant in disease. Therefore, it has been classified as a Variant of Uncertain Significance. Advanced modeling of protein sequence and biophysical properties (such as structural, functional, and spatial information, amino acid conservation, physicochemical variation, residue mobility, and thermodynamic stability) has been performed at Invitae for this missense variant, however the output from this modeling did not meet the statistical confidence thresholds required to predict the impact of this variant on EEF1A2 protein function. This variant has not been reported in the literature in individuals affected with EEF1A2-related conditions. This variant is not present in population databases (gnomAD no frequency). This sequence change replaces lysine, which is basic and polar, with arginine, which is basic and polar, at codon 443 of the EEF1A2 protein (p.Lys443Arg).

NM_001958.5(EEF1A2):c.1328A>G (p.Lys443Arg)

Gene: EEF1A2 (eukaryotic translation elongation factor 1 alpha 2; minus strand). Cytogenetic location: 20q13.33.
Variant type: single nucleotide variant.
Coding change: c.1328A>G on transcript NM_001958.5 (MANE Select); coding-DNA position 1328, A replaced by G.
Protein change: p.Lys443Arg; replaces lysine 443 with arginine.
Molecular consequence: missense variant.
Genome position (GRCh38, 1-based): chr20:63,488,362, T>C on the plus strand (A>G on the coding strand, the complement: EEF1A2 is on the minus strand). VCF-style: chr20-63488362-T-C. GRCh37 (hg19) VCF-style: chr20-62119715-T-C.
Other names: short protein forms K443R.
Identifiers: ClinVar variation 2849847 (VCV002849847.3), dbSNP rs893263340, ClinGen allele CA317435749.
Genomic context (GRCh38, chr20:63,488,362, plus strand): 5'-TTGCCCGCCTTCTGCGCCTTCTGCGCCGACTTGGTGACCTTGCCGGCGCCGCCGCTCTTC[T>C]TCTCCACGTTCTTGATGACGCCTACGGCCACCGTCTGCCTCATGTCGCGCACGGCGAAGC-3'
Protein context (NP_001949.1, residues 433-453): VAVGVIKNVE[Lys443Arg]KSGGAGKVTK